The following is an entry in ClinVar:

NM_000059.4(BRCA2):c.3088T>C (p.Phe1030Leu)

Gene: BRCA2 (BRCA2 DNA repair associated; plus strand). Cytogenetic location: 13q13.1.
Variant type: single nucleotide variant.
Coding change: c.3088T>C on transcript NM_000059.4 (MANE Select); coding-DNA position 3088, T replaced by C.
Protein change: p.Phe1030Leu; replaces phenylalanine 1030 with leucine.
Molecular consequence: missense variant. On other transcripts: non-coding transcript variant (1), intron variant (2).
Genome position (GRCh38, 1-based): chr13:32,337,443, T>C. VCF-style: chr13-32337443-T-C. GRCh37 (hg19) VCF-style: chr13-32911580-T-C.
Other names: c.3088T>C, p.Phe1030Leu (NM_001406719.1, NM_001406720.1); c.1909+4056T>C (NM_001406721.1); c.424+6413T>C (NM_001406722.1); short protein forms F1030L.
Identifiers: ClinVar variation 3261504 (VCV003261504.4).
Genomic context (GRCh38, chr13:32,337,443, plus strand): 5'-AGAACAGCTTCAAATAAGGAAATCAAGCTCTCTGAACATAACATTAAGAAGAGCAAAATG[T>C]TCTTCAAAGATATTGAAGAACAATATCCTACTAGTTTAGCTTGTGTTGAAATTGTAAATA-3'
Protein context (NP_000050.3, residues 1020-1040): SEHNIKKSKM[Phe1030Leu]FKDIEEQYPT

ClinVar aggregate classification (germline): Conflicting classifications of pathogenicity. Review status: criteria provided, conflicting classifications (1 of 4 stars). 3 submissions from 3 submitters: Uncertain significance (2); Likely benign (1). Last evaluated 2024-12-26.

Conditions:
Hereditary cancer-predisposing syndrome. Also called: Hereditary Cancer Syndrome; Tumor predisposition; Hereditary neoplastic syndrome; Neoplastic Syndromes, Hereditary. Identifiers: Orphanet 140162, MedGen C0027672, MeSH D009386, MONDO:0015356.
Hereditary breast ovarian cancer syndrome. Also called: Hereditary breast and ovarian cancer; Hereditary breast and ovarian cancer syndrome (HBOC); BRCA1- and BRCA2-Associated Hereditary Breast and Ovarian Cancer; Hereditary breast and ovarian cancer syndrome; Hereditary breast and/or ovarian cancer syndrome; Breast and ovarian cancer. Identifiers: Orphanet 145, MedGen C0677776, MeSH D061325, MONDO:0003582. Disease mechanism: loss of function.

Submissions (3):

Labcorp Genetics (formerly Invitae), Labcorp
Classification: Uncertain significance for Hereditary breast ovarian cancer syndrome. Last evaluated: 2024-12-26. Review status: criteria provided, single submitter. Criteria: Invitae Variant Classification Sherloc (09022015). Collection method: clinical testing. Allele origin: germline.
Comment: This sequence change replaces phenylalanine, which is neutral and non-polar, with leucine, which is neutral and non-polar, at codon 1030 of the BRCA2 protein (p.Phe1030Leu). This variant is not present in population databases (gnomAD no frequency). This variant has not been reported in the literature in individuals affected with BRCA2-related conditions. Invitae Evidence Modeling of protein sequence and biophysical properties (such as structural, functional, and spatial information, amino acid conservation, physicochemical variation, residue mobility, and thermodynamic stability) indicates that this missense variant is not expected to disrupt BRCA2 protein function with a negative predictive value of 95%. In summary, the available evidence is currently insufficient to determine the role of this variant in disease. Therefore, it has been classified as a Variant of Uncertain Significance.

Quest Diagnostics Nichols Institute San Juan Capistrano
Classification: Uncertain significance. Last evaluated: 2024-07-26. Review status: criteria provided, single submitter. Criteria: Quest Diagnostics criteria. Collection method: clinical testing. Allele origin: unknown.
Comment: The BRCA2 c.3088T>C (p.Phe1030Leu) variant has not been reported in individuals with BRCA2-related conditions in the published literature. It also has not been reported in large, multi-ethnic general populations (Genome Aggregation Database). Analysis of this variant using bioinformatics tools for the prediction of the effect of amino acid changes on protein structure and function yielded predictions that this variant is benign. Based on the available information, we are unable to determine the clinical significance of this variant.

Ambry Genetics
Classification: Likely benign for Hereditary cancer-predisposing syndrome. Last evaluated: 2024-05-02. Review status: criteria provided, single submitter. Criteria: Ambry Variant Classification Scheme 2023. Collection method: clinical testing. Allele origin: germline.